The following is an entry in ClinVar:

NM_003072.5(SMARCA4):c.2616+4A>G

Gene: SMARCA4 (SWI/SNF related BAF chromatin remodeling complex subunit ATPase 4; plus strand). Cytogenetic location: 19p13.2.
Variant type: single nucleotide variant.
Coding change: c.2616+4A>G on transcript NM_003072.5 (MANE Select); 4 bases into the intron after coding-DNA position 2616, A replaced by G.
Molecular consequence: intron variant.
Genome position (GRCh38, 1-based): chr19:11,019,705, A>G. VCF-style: chr19-11019705-A-G. GRCh37 (hg19) VCF-style: chr19-11130381-A-G.
Other names: c.2616+4A>G (NM_001128844.3, NM_001128849.3, NM_001128847.4 and 5 more transcripts).
Identifiers: ClinVar variation 1055836 (VCV001055836.7), dbSNP rs1375792226, ClinGen allele CA631759233.

ClinVar aggregate classification (germline): Uncertain significance (1 of 4 stars; one submission).

Conditions:
Rhabdoid tumor predisposition syndrome 2 (RTPS2). Identifiers: Orphanet 231108, Orphanet 69077, MedGen C2750074, MONDO:0013224, OMIM 613325.

Allele frequency attached by ClinVar (database versions not stated): gnomAD exomes below 0.00001.
gnomAD v4.1: 1 of 1,604,486 alleles (0.000062%); highest among the groups gnomAD compares: South Asian, 0.0011%; no homozygotes.

Submission:

Labcorp Genetics (formerly Invitae), Labcorp
Classification: Uncertain significance for Rhabdoid tumor predisposition syndrome 2. Last evaluated: 2020-04-27. Review status: criteria provided, single submitter. Criteria: Invitae Variant Classification Sherloc (09022015). Collection method: clinical testing. Allele origin: germline.
Comment: This variant is not present in population databases (ExAC no frequency). In summary, the available evidence is currently insufficient to determine the role of this variant in disease. Therefore, it has been classified as a Variant of Uncertain Significance. Nucleotide substitutions within the consensus splice site are a relatively common cause of aberrant splicing (PMID: 17576681, 9536098). Algorithms developed to predict the effect of sequence changes on RNA splicing suggest that this variant may disrupt the consensus splice site, but this prediction has not been confirmed by published transcriptional studies. This variant has not been reported in the literature in individuals with SMARCA4-related conditions. This sequence change falls in intron 18 of the SMARCA4 gene. It does not directly change the encoded amino acid sequence of the SMARCA4 protein, but it affects a nucleotide within the consensus splice site of the intron.

Literature cited by the submitters: PubMed 17576681; PubMed 9536098.